The following is an entry in ClinVar:

ClinVar aggregate classification (germline): Uncertain significance (1 of 4 stars; one submission).

Conditions:
Neurofibromatosis, type 1 (NF1). Also called: VON RECKLINGHAUSEN DISEASE; NEUROFIBROMATOSIS, TYPE I, SOMATIC; Peripheral type neurofibromatosis; Neurofibromatosis, type I. Identifiers: Orphanet 636, MedGen C0027831, MONDO:0018975, OMIM 162200. Disease mechanism: loss of function.

Allele frequency attached by ClinVar (database versions not stated): TOPMed below 0.00001; gnomAD 0.00001.
gnomAD v4.1: 1 of 1,613,470 alleles (0.000062%); highest among the groups gnomAD compares: Non-Finnish European, 0.000085%; no homozygotes.

Submission:

Labcorp Genetics (formerly Invitae), Labcorp
Classification: Uncertain significance for Neurofibromatosis, type 1. Last evaluated: 2022-03-27. Review status: criteria provided, single submitter. Criteria: Invitae Variant Classification Sherloc (09022015). Collection method: clinical testing. Allele origin: germline.
Comment: This sequence change replaces alanine, which is neutral and non-polar, with serine, which is neutral and polar, at codon 542 of the NF1 protein (p.Ala542Ser). This variant is not present in population databases (gnomAD no frequency). This variant has not been reported in the literature in individuals affected with NF1-related conditions. ClinVar contains an entry for this variant (Variation ID: 1039983). Advanced modeling of protein sequence and biophysical properties (such as structural, functional, and spatial information, amino acid conservation, physicochemical variation, residue mobility, and thermodynamic stability) performed at Invitae indicates that this missense variant is not expected to disrupt NF1 protein function. In summary, the available evidence is currently insufficient to determine the role of this variant in disease. Therefore, it has been classified as a Variant of Uncertain Significance.

NM_001042492.3(NF1):c.1624G>T (p.Ala542Ser)

Gene: NF1 (neurofibromin 1; plus strand). Cytogenetic location: 17q11.2.
Variant type: single nucleotide variant.
Coding change: c.1624G>T on transcript NM_001042492.3 (MANE Select); coding-DNA position 1624, G replaced by T.
Protein change: p.Ala542Ser; replaces alanine 542 with serine.
Molecular consequence: missense variant.
Genome position (GRCh38, 1-based): chr17:31,219,101, G>T. VCF-style: chr17-31219101-G-T. GRCh37 (hg19) VCF-style: chr17-29546119-G-T.
Other names: c.1624G>T, p.Ala542Ser (NM_000267.4, NM_001128147.3); short protein forms A542S.
Identifiers: ClinVar variation 1039983 (VCV001039983.5), dbSNP rs1242297747, ClinGen allele CA399002086.